The following is an entry in ClinVar:

ClinVar aggregate classification (germline): Uncertain significance (1 of 4 stars; one submission).

Conditions:
Cardiovascular phenotype. Identifiers: MedGen CN230736.

Submission:

Ambry Genetics
Classification: Uncertain significance for Cardiovascular phenotype. Last evaluated: 2025-02-17. Review status: criteria provided, single submitter. Criteria: Ambry Variant Classification Scheme 2023. Collection method: clinical testing. Allele origin: germline.
Comment: The p.N83D variant (also known as c.247A>G), located in coding exon 3 of the SPRED1 gene, results from an A to G substitution at nucleotide position 247. The asparagine at codon 83 is replaced by aspartic acid, an amino acid with highly similar properties. This amino acid position is conserved. In addition, the in silico prediction for this alteration is inconclusive. Based on the available evidence, the clinical significance of this variant remains unclear.

NM_152594.3(SPRED1):c.247A>G (p.Asn83Asp)

Gene: SPRED1 (sprouty related EVH1 domain containing 1; plus strand). Cytogenetic location: 15q14.
Variant type: single nucleotide variant.
Coding change: c.247A>G on transcript NM_152594.3 (MANE Select); coding-DNA position 247, A replaced by G.
Protein change: p.Asn83Asp; replaces asparagine 83 with aspartic acid.
Molecular consequence: missense variant.
Genome position (GRCh38, 1-based): chr15:38,322,280, A>G. VCF-style: chr15-38322280-A-G. GRCh37 (hg19) VCF-style: chr15-38614481-A-G.
Other names: short protein forms N83D.
Identifiers: ClinVar variation 3800924 (VCV003800924.1).